The following is an entry in ClinVar:

ClinVar aggregate classification (germline): Benign. Review status: criteria provided, single submitter (1 of 4 stars). 2 submissions from 2 submitters: Benign (1). 1 of the submissions does not count toward it. Last evaluated 2019-12-31.

Conditions:
CNTN6-related disorder. Also called: CNTN6-related condition.

Allele frequency attached by ClinVar (database versions not stated): gnomAD exomes 0.00046 and 0.00155; gnomAD 0.00052 and 0.00070; TOPMed 0.00078; ExAC 0.00158; 1000 Genomes Project 30x 0.00328; 1000 Genomes Project 0.00339.
gnomAD v4.1: 790 of 1,611,908 alleles (0.049%); highest among the groups gnomAD compares: East Asian, 1.6%; 7 homozygotes.

Submissions (2):

Labcorp Genetics (formerly Invitae), Labcorp
Classification: Benign. Last evaluated: 2019-12-31. Review status: criteria provided, single submitter. Criteria: Invitae Variant Classification Sherloc (09022015). Collection method: clinical testing. Allele origin: germline.

PreventionGenetics, part of Exact Sciences
Classification: Benign for CNTN6-related condition. Last evaluated: 2019-03-05. Review status: no assertion criteria provided. Collection method: clinical testing. Allele origin: germline. Not counted in ClinVar's aggregate classification.
Comment: This variant is classified as benign based on ACMG/AMP sequence variant interpretation guidelines (Richards et al. 2015 PMID: 25741868, with internal and published modifications).

NM_001289080.2(CNTN6):c.1637A>G (p.Lys546Arg)

Gene: CNTN6 (contactin 6; plus strand). Cytogenetic location: 3p26.3.
Variant type: single nucleotide variant.
Coding change: c.1637A>G on transcript NM_001289080.2 (MANE Select); coding-DNA position 1637, A replaced by G.
Protein change: p.Lys546Arg; replaces lysine 546 with arginine.
Molecular consequence: missense variant.
Genome position (GRCh38, 1-based): chr3:1,372,443, A>G. VCF-style: chr3-1372443-A-G. GRCh37 (hg19) VCF-style: chr3-1414127-A-G.
Other names: c.1421A>G, p.Lys474Arg (NM_001289081.2); c.1637A>G, p.Lys546Arg (NM_001349350.2, NM_001349351.2, NM_001349352.2 and 4 more transcripts); c.1529A>G, p.Lys510Arg (NM_001349356.2); c.1325A>G, p.Lys442Arg (NM_001349357.2); c.1082A>G, p.Lys361Arg (NM_001349358.2); c.515A>G, p.Lys172Arg (NM_001349359.2, NM_001349360.2, NM_001349361.2 and 1 more transcripts); short protein forms K172R, K442R, K474R, K510R, K546R, K361R.
Identifiers: ClinVar variation 715446 (VCV000715446.6), dbSNP rs145045076, ClinGen allele CA2226233.